The following is an entry in ClinVar:

NM_032043.3(BRIP1):c.1550C>T (p.Pro517Leu)

Gene: BRIP1 (BRCA1 interacting DNA helicase 1; minus strand). Cytogenetic location: 17q23.2.
Variant type: single nucleotide variant.
Coding change: c.1550C>T on transcript NM_032043.3 (MANE Select); coding-DNA position 1550, C replaced by T.
Protein change: p.Pro517Leu; replaces proline 517 with leucine.
Molecular consequence: missense variant.
Genome position (GRCh38, 1-based): chr17:61,784,348, G>A on the plus strand (C>T on the coding strand, the complement: BRIP1 is on the minus strand). VCF-style: chr17-61784348-G-A. GRCh37 (hg19) VCF-style: chr17-59861709-G-A.
Other names: short protein forms P517L.
Identifiers: ClinVar variation 185433 (VCV000185433.13), dbSNP rs786202169, ClinGen allele CA191937.

ClinVar aggregate classification (germline): Uncertain significance. Review status: criteria provided, multiple submitters, no conflicts (2 of 4 stars). 5 submissions from 5 submitters: Uncertain significance (5). Last evaluated 2023-09-13.

Conditions:
Hereditary cancer-predisposing syndrome. Also called: Tumor predisposition; Hereditary Cancer Syndrome; Hereditary neoplastic syndrome; Neoplastic Syndromes, Hereditary. Identifiers: Orphanet 140162, MedGen C0027672, MeSH D009386, MONDO:0015356.
Familial cancer of breast. Also called: BREAST CANCER, FAMILIAL; hereditary breast carcinoma; Hereditary breast cancer. Identifiers: Orphanet 227535, MedGen C0346153, MONDO:0016419, OMIM 114480. Disease mechanism: loss of function.
Fanconi anemia complementation group J. Also called: BRIP1-Related Fanconi Anemia. Identifiers: Orphanet 84, MedGen C1836860, MONDO:0012187, OMIM 609054.

Allele frequency attached by ClinVar (database versions not stated): TOPMed 0.00001.

Submissions (5):

KCCC/NGS Laboratory, Kuwait Cancer Control Center
Classification: Uncertain significance for Familial cancer of breast. Last evaluated: 2023-09-13. Review status: criteria provided, single submitter. Criteria: ACMG Guidelines, 2015. Collection method: clinical testing. Allele origin: germline. Inheritance: Autosomal dominant inheritance. Affected: yes. Observed: 1 heterozygote.
Comment: This sequence change replaces proline, which is neutral and non-polar, with leucine, which is neutral and non-polar, at codon 517 of the BRIP1 protein (p.Pro517Leu). This variant is not present in population databases (gnomAD no frequency). This variant has not been reported in the literature in individuals affected with BRIP1-related conditions. ClinVar contains an entry for this variant (Variation ID: 185433). This amino acid position is highly conserved (PhyloP=8.2) . In addition, the in silico prediction for this alteration is inconclusive. In summary, the available evidence is currently insufficient to determine the role of this variant in disease. Therefore, it has been classified as a Variant of Uncertain Significance.

Labcorp Genetics (formerly Invitae), Labcorp
Classification: Uncertain significance for Familial cancer of breast; Fanconi anemia complementation group J. Last evaluated: 2022-03-28. Review status: criteria provided, single submitter. Criteria: Invitae Variant Classification Sherloc (09022015). Collection method: clinical testing. Allele origin: germline.
Comment: ClinVar contains an entry for this variant (Variation ID: 185433). In summary, the available evidence is currently insufficient to determine the role of this variant in disease. Therefore, it has been classified as a Variant of Uncertain Significance. Algorithms developed to predict the effect of missense changes on protein structure and function are either unavailable or do not agree on the potential impact of this missense change (SIFT: "Tolerated"; PolyPhen-2: "Probably Damaging"; Align-GVGD: "Class C0"). This variant has not been reported in the literature in individuals affected with BRIP1-related conditions. This variant is not present in population databases (gnomAD no frequency). This sequence change replaces proline, which is neutral and non-polar, with leucine, which is neutral and non-polar, at codon 517 of the BRIP1 protein (p.Pro517Leu).

Color Diagnostics, LLC DBA Color Health
Classification: Uncertain significance for Hereditary cancer-predisposing syndrome. Last evaluated: 2020-12-02. Review status: criteria provided, single submitter. Criteria: ACMG Guidelines, 2015. Collection method: clinical testing. Allele origin: germline.
Comment: This missense variant replaces proline with leucine at codon 517 of the BRIP1 protein. Computational prediction is inconclusive regarding the impact of this variant on protein structure and function (internally defined REVEL score threshold 0.5 < inconclusive < 0.7, PMID: 27666373). To our knowledge, functional studies have not been reported for this variant. This variant has not been reported in individuals affected with hereditary cancer in the literature. This variant has not been identified in the general population by the Genome Aggregation Database (gnomAD). The available evidence is insufficient to determine the role of this variant in disease conclusively. Therefore, this variant is classified as a Variant of Uncertain Significance.

Ambry Genetics
Classification: Uncertain significance for Hereditary cancer-predisposing syndrome. Last evaluated: 2019-10-22. Review status: criteria provided, single submitter. Criteria: Ambry Variant Classification Scheme 2023. Collection method: clinical testing. Allele origin: germline.
Comment: The p.P517L variant (also known as c.1550C>T), located in coding exon 10 of the BRIP1 gene, results from a C to T substitution at nucleotide position 1550. The proline at codon 517 is replaced by leucine, an amino acid with similar properties. This amino acid position is highly conserved in available vertebrate species. In addition, the in silico prediction for this alteration is inconclusive. Since supporting evidence is limited at this time, the clinical significance of this alteration remains unclear.

Breakthrough Genomics
Classification: Uncertain significance. Review status: criteria provided, single submitter. Criteria: ACMG Guidelines, 2015. Collection method: not provided. Allele origin: germline. Inheritance: Autosomal dominant inheritance. Affected: yes.